The following is an entry in ClinVar:

NM_000454.5(SOD1):c.15_17delinsAAA (p.Val6Lys)

Genes: SOD1-DT (SOD1 divergent transcript; minus strand), SOD1 (superoxide dismutase 1; plus strand). Cytogenetic location: 21q22.11.
Variant type: Indel.
Coding change: c.15_17delinsAAA on transcript NM_000454.5 (MANE Select); coding-DNA positions 15 to 17, CGT replaced by AAA.
Protein change: p.Val6Lys; replaces valine 6 with lysine.
Molecular consequence: missense variant. On other transcripts: non-coding transcript variant (1).
Genome position (GRCh38, 1-based): chr21:31,659,784-31,659,786, CGT replaced by AAA. VCF-style: chr21-31659784-CGT-AAA. GRCh37 (hg19) VCF-style: chr21-33032097-CGT-AAA.
Other names: short protein forms V6K.
Identifiers: ClinVar variation 3657075 (VCV003657075.2).

ClinVar aggregate classification (germline): Uncertain significance (1 of 4 stars; one submission).

Conditions:
Amyotrophic lateral sclerosis type 1 (ALS1). Also called: AMYOTROPHIC LATERAL SCLEROSIS 1, FAMILIAL. Identifiers: Orphanet 803, MedGen C1862939, MONDO:0007103, OMIM 105400.

Submission:

Labcorp Genetics (formerly Invitae), Labcorp
Classification: Uncertain significance for Amyotrophic lateral sclerosis type 1. Last evaluated: 2024-06-19. Review status: criteria provided, single submitter. Criteria: Invitae Variant Classification Sherloc (09022015). Collection method: clinical testing. Allele origin: germline.
Comment: This sequence change replaces valine, which is neutral and non-polar, with lysine, which is basic and polar, at codon 6 of the SOD1 protein (p.Val6Lys). Information on the frequency of this variant in the gnomAD database is not available, as this variant may be reported differently in the database. This missense change has been observed in individual(s) with amyotrophic lateral sclerosis (Invitae). Experimental studies and prediction algorithms are not available or were not evaluated, and the functional significance of this variant is currently unknown. This variant disrupts the p.Val6 amino acid residue in SOD1. Other variant(s) that disrupt this residue have been determined to be pathogenic (PMID: 21700728; Invitae). This suggests that this residue is clinically significant, and that variants that disrupt this residue are likely to be disease-causing. In summary, the available evidence is currently insufficient to determine the role of this variant in disease. Therefore, it has been classified as a Variant of Uncertain Significance.

Literature cited by the submitters: PubMed 21700728.